The following is an entry in ClinVar:

NM_000228.3(LAMB3):c.1296_1297insA (p.Cys433fs)

Gene: LAMB3 (laminin subunit beta 3; minus strand). Cytogenetic location: 1q32.2.
Variant type: Insertion.
Coding change: c.1296_1297insA on transcript NM_000228.3 (MANE Select); coding-DNA positions 1296 to 1297, A inserted.
Protein change: p.Cys433fs; shifts the reading frame from cysteine 433.
Molecular consequence: frameshift variant.
Genome position: GRCh38 VCF-style: chr1-209627571-A-AT. GRCh37 (hg19) VCF-style: chr1-209800916-A-AT.
Other names: c.1296_1297insA, p.Cys433fs (NM_001017402.2, NM_001127641.1); short protein forms C433fs.
Identifiers: ClinVar variation 3384010 (VCV003384010.1).

ClinVar aggregate classification (germline): Likely pathogenic (1 of 4 stars; one submission).

Conditions:
Epidermolysis bullosa. Identifiers: MedGen C0014527, MeSH D004820, MONDO:0006541.

Submission:

Dubai Health Genomic Medicine Center, Dubai Health
Classification: Likely pathogenic for Epidermolysis bullosa. Last evaluated: 2024-10-04. Review status: criteria provided, single submitter. Criteria: ACMG Guidelines, 2015. Collection method: research. Allele origin: germline. Affected: yes.
Comment: PVS1,PM2